The following is an entry in ClinVar:

NM_016188.5(ACTL6B):c.1219T>C (p.Trp407Arg)

Gene: ACTL6B (actin like 6B; minus strand). Cytogenetic location: 7q22.1.
Variant type: single nucleotide variant.
Coding change: c.1219T>C on transcript NM_016188.5 (MANE Select); coding-DNA position 1219, T replaced by C.
Protein change: p.Trp407Arg; replaces tryptophan 407 with arginine.
Molecular consequence: missense variant. On other transcripts: non-coding transcript variant (1).
Genome position (GRCh38, 1-based): chr7:100,643,308, A>G on the plus strand (T>C on the coding strand, the complement: ACTL6B is on the minus strand). VCF-style: chr7-100643308-A-G. GRCh37 (hg19) VCF-style: chr7-100240931-A-G.
Other names: c.1219T>C (NM_016188.4); short protein forms W407R.
Identifiers: ClinVar variation 1687194 (VCV001687194.25), dbSNP rs2131330754, ClinGen allele CA368540508.

ClinVar aggregate classification (germline): Uncertain significance. Review status: criteria provided, single submitter (1 of 4 stars). 2 submissions from 2 submitters: Uncertain significance (1). 1 of the submissions does not count toward it. Last evaluated 2022-05-22.

Conditions:
Developmental and epileptic encephalopathy, 76. Also called: EPILEPTIC ENCEPHALOPATHY, EARLY INFANTILE, 76; DEVELOPMENTAL DELAY, EPILEPTIC ENCEPHALOPATHY, CEREBRAL ATROPHY, AND ABNORMAL MYELINATION. Identifiers: MedGen C5193113, MONDO:0032768, OMIM 618468.

Submissions (2):

3billion
Classification: Uncertain significance for Developmental and epileptic encephalopathy, 76. Last evaluated: 2022-05-22. Review status: criteria provided, single submitter. Criteria: ACMG Guidelines, 2015. Collection method: clinical testing. Allele origin: germline. Affected: yes. Observed: 1 homozygote.
Comment: The variant is not observed in the gnomAD v2.1.1 dataset. Missense changes are a common disease-causing mechanism. In silico tool predictions suggest damaging effect of the variant on gene or gene product (REVEL: 0.97; 3Cnet: 0.91). Therefore, this variant is classified as uncertain significanceaccording to the recommendation of ACMG/AMP guideline.

Houlden Lab, UCL Institute of Neurology
Classification: Likely pathogenic for Developmental and epileptic encephalopathy, 76. Review status: no assertion criteria provided. Collection method: research. Allele origin: germline. Affected: yes. Observed: 1 variant allele. Not counted in ClinVar's aggregate classification.